The following is an entry in ClinVar:

NM_018194.6(HHAT):c.997G>A (p.Gly333Arg)

Gene: HHAT (hedgehog acyltransferase; plus strand). Cytogenetic location: 1q32.2.
Variant type: single nucleotide variant.
Coding change: c.997G>A on transcript NM_018194.6 (MANE Select); coding-DNA position 997, G replaced by A.
Protein change: p.Gly333Arg; replaces glycine 333 with arginine.
Molecular consequence: missense variant.
Genome position (GRCh38, 1-based): chr1:210,464,645, G>A. VCF-style: chr1-210464645-G-A. GRCh37 (hg19) VCF-style: chr1-210637989-G-A.
Other names: c.997G>A, p.Gly333Arg (NM_001122834.4, NM_001170580.3); c.586G>A, p.Gly196Arg (NM_001170564.3); c.1000G>A, p.Gly334Arg (NM_001170587.3); c.802G>A, p.Gly268Arg (NM_001170588.3); short protein forms G333R, G334R, G196R, G268R.
Identifiers: ClinVar variation 790251 (VCV000790251.15), dbSNP rs61744143, ClinGen allele CA1379307.
Genomic context (GRCh38, chr1:210,464,645, plus strand): 5'-CTGGATGGACTCACTCCACCCGCCCTCCCCCGCTGCGTGAGCACCATGTTCAGTTTCACC[G>A]GGATGTGGAGGTCAGGCGCTGGGATTGCTAAAGTTGGTCAGGCATGTCCAGTGGGAGGAG-3'
Protein context (NP_060664.2, residues 323-343): RCVSTMFSFT[Gly333Arg]MWRYFDVGLH

ClinVar aggregate classification (germline): Benign/Likely benign. Review status: criteria provided, multiple submitters, no conflicts (2 of 4 stars). 4 submissions from 4 submitters: Benign (2); Likely benign (1). 1 of the submissions does not count toward it. Last evaluated 2026-01-15.

Conditions:
HHAT-related disorder. Also called: HHAT-related condition.
Chondrodysplasia-pseudohermaphroditism syndrome. Also called: Chondrodysplasia pseudohermaphrodism syndrome; Pseudohermaphrodism and chondrodysplasia. Identifiers: Orphanet 1422, MedGen C1838654, MONDO:0010814, OMIM 600092.

Allele frequency attached by ClinVar (database versions not stated): gnomAD exomes 0.00259; ExAC 0.00274; ESP Exome Variant Server 0.00769; gnomAD 0.00774 and 0.00834; TOPMed 0.00855; 1000 Genomes Project 0.00938; 1000 Genomes Project 30x 0.01015.
gnomAD v4.1: 2,894 of 1,614,156 alleles (0.18%); highest among the groups gnomAD compares: African/African-American, 2.5%; 28 homozygotes.

Submissions (8):

Labcorp Genetics (formerly Invitae), Labcorp
Classification: Benign. Last evaluated: 2026-01-15. Review status: criteria provided, single submitter. Criteria: Invitae Variant Classification Sherloc (09022015). Collection method: clinical testing. Allele origin: germline.

Fulgent Genetics
Classification: Likely benign for Chondrodysplasia-pseudohermaphroditism syndrome. Last evaluated: 2021-10-20. Review status: criteria provided, single submitter. Criteria: ACMG Guidelines, 2015. Collection method: clinical testing. Allele origin: unknown.

Breakthrough Genomics
Classification: Benign. Review status: criteria provided, single submitter. Criteria: ACMG Guidelines, 2015. Collection method: not provided. Allele origin: germline. Inheritance: Autosomal recessive inheritance. Affected: yes.

PreventionGenetics, part of Exact Sciences
Classification: Benign for HHAT-related condition. Last evaluated: 2019-06-06. Review status: no assertion criteria provided. Collection method: clinical testing. Allele origin: germline. Not counted in ClinVar's aggregate classification.
Comment: This variant is classified as benign based on ACMG/AMP sequence variant interpretation guidelines (Richards et al. 2015 PMID: 25741868, with internal and published modifications).

Dr. Peter K. Rogan Lab, Western University
No classification provided (evidence only). Condition: Lung cancer. Review status: no classification provided. Collection method: in vitro. Allele origin: not applicable. Functional consequence: retained intron. Not counted in ClinVar's aggregate classification.

Dr. Peter K. Rogan Lab, Western University
No classification provided (evidence only). Condition: Hepatocellular carcinoma. Review status: no classification provided. Collection method: in vitro. Allele origin: not applicable. Functional consequence: retained intron. Not counted in ClinVar's aggregate classification.

Dr. Peter K. Rogan Lab, Western University
No classification provided (evidence only). Condition: Nonpapillary renal cell carcinoma. Review status: no classification provided. Collection method: in vitro. Allele origin: not applicable. Functional consequence: retained intron. Not counted in ClinVar's aggregate classification.

Dr. Peter K. Rogan Lab, Western University
No classification provided (evidence only). Condition: Malignant tumor of esophagus. Review status: no classification provided. Collection method: in vitro. Allele origin: not applicable. Functional consequence: retained intron. Not counted in ClinVar's aggregate classification.